The following is an entry in ClinVar:

NM_002473.6(MYH9):c.5657C>T (p.Ala1886Val)

Gene: MYH9 (myosin heavy chain 9; minus strand). Cytogenetic location: 22q12.3.
Variant type: single nucleotide variant.
Coding change: c.5657C>T on transcript NM_002473.6 (MANE Select); coding-DNA position 5657, C replaced by T.
Protein change: p.Ala1886Val; replaces alanine 1886 with valine.
Molecular consequence: missense variant.
Genome position (GRCh38, 1-based): chr22:36,284,201, G>A on the plus strand (C>T on the coding strand, the complement: MYH9 is on the minus strand). VCF-style: chr22-36284201-G-A. GRCh37 (hg19) VCF-style: chr22-36680247-G-A.
Other names: short protein forms A1886V.
Identifiers: ClinVar variation 1805850 (VCV001805850.2), dbSNP rs2517945508, ClinGen allele CA411372673.
Genomic context (GRCh38, chr22:36,284,201, plus strand): 5'-GTCTCAGTGGCGTCCTCCAGCTCGCGCTGCAGTTTCCGGCGGGAGGCGTTGGCCCGCTGG[G>A]CCTCCTCTTCGGCCTCCTCCAGCTGCCGCTTGAGCTGCTTCAGGCGGGTAGATGCCTTGT-3'
Protein context (NP_002464.1, residues 1876-1896): KRQLEEAEEE[Ala1886Val]QRANASRRKL

ClinVar aggregate classification (germline): Uncertain significance. Review status: criteria provided, single submitter (1 of 4 stars). 2 submissions from 2 submitters: Uncertain significance (1). 1 of the submissions does not count toward it. Last evaluated 2020-10-19.

Conditions:
MYH9-related disorder. Identifiers: MedGen C1854520.
Macrothrombocytopenia and granulocyte inclusions with or without nephritis or sensorineural hearing loss (MATINS). Also called: MAY-HEGGLIN ANOMALY; BLEEDING DISORDER, PLATELET-TYPE, 6; DOHLE LEUKOCYTE INCLUSIONS WITH GIANT PLATELETS; SEBASTIAN PLATELET SYNDROME; MACROTHROMBOCYTOPENIA WITH DISPERSED LEUKOCYTIC INCLUSIONS; MACROTHROMBOCYTOPENIA, NEPHRITIS, AND DEAFNESS. Identifiers: Orphanet 182050, MedGen C5200934, MONDO:0015912, OMIM 155100.

Submissions (2):

Victorian Clinical Genetics Services, Murdoch Childrens Research Institute
Classification: Uncertain significance for Macrothrombocytopenia and granulocyte inclusions with or without nephritis or sensorineural hearing loss. Last evaluated: 2020-10-19. Review status: criteria provided, single submitter. Criteria: ACMG Guidelines, 2015. Collection method: clinical testing. Allele origin: germline. Inheritance: Autosomal dominant inheritance.
Comment: Based on the classification scheme VCGS_Germline_v1.1.1, this variant is classified as 3C-VUS. Following criteria are met: 0102 - Loss-of-function is a known mechanism of disease for this gene. (N) 0104 - Dominant Negative is a mechanism of disease for this gene. (N) 0107 - This gene is known to be associated with autosomal dominant disease. (N) 0200 - Variant is predicted to result in a missense amino acid change from alanine to valine. (N) 0251 - Variant is heterozygous. (N) 0301 - Variant is absent from gnomAD. (P) 0503 - Missense variant consistently predicted to be tolerated or not conserved in mammals with a minor amino acid change. (B) 0504 - Same amino acid change has been observed in mammals. (B) 0600 - Variant is located in an annotated domain or motif. (Myosin tail, PDB, NCBI, DECIPHER) (N) 0705 - No comparable variants have previous evidence for pathogenicity. (N) 0807 - Variant has not previously been reported in a clinical context. (N) 0905 - No segregation evidence has been identified for this variant. (N) 1007 - No published functional evidence has been identified for this variant. (N) 1208 – Inheritance information for this variant is not currently available. (N) Legend: (P) - Pathogenic, (N) - Neutral, (B) - Benign

PreventionGenetics, part of Exact Sciences
Classification: Uncertain significance for MYH9-related condition. Last evaluated: 2024-03-28. Review status: no assertion criteria provided. Collection method: clinical testing. Allele origin: germline. Not counted in ClinVar's aggregate classification.
Comment: The MYH9 c.5657C>T variant is predicted to result in the amino acid substitution p.Ala1886Val. To our knowledge, this variant has not been reported in the literature or in a large population database, indicating this variant is rare. At this time, the clinical significance of this variant is uncertain due to the absence of conclusive functional and genetic evidence.